The following is an entry in ClinVar:

ClinVar aggregate classification (germline): Pathogenic. Review status: reviewed by expert panel (3 of 4 stars). 2 submissions from 2 submitters: Pathogenic (1). 1 of the submissions does not count toward it. Last evaluated 2020-12-07.

Conditions:
Phenylketonuria (PKU). Also called: Phenylketonurias; Phenylketonuria (PKU); OLIGOPHRENIA PHENYLPYRUVICA; FOLLING DISEASE. Identifiers: Orphanet 716, MedGen C0031485, MONDO:0009861, OMIM 261600. Disease mechanism: loss of function.

Submissions (2):

ClinGen PAH Variant Curation Expert Panel
Classification: Pathogenic for Phenylketonuria. Last evaluated: 2020-12-07. Review status: reviewed by expert panel. Criteria: ClinGen PAH ACMG Specifications v1. Collection method: curation. Allele origin: germline. Inheritance: Autosomal recessive inheritance.
Comment: This variant is absent from population databases gnomAD, 1000 Genomes and ESP. This variant in the -1 splice acceptor site of intron 4 disrupts the reading frame and is predicted to undergo nonsense mediated decay (NMD). The exon is present in biologically-relevant transcripts. In summary, this variant meets criteria to be classified as pathogenic for PAH. PAH-specific ACMG/AMP criteria applied: PVS1, PM2, PM3, PP4.

Baylor Genetics
Classification: Pathogenic for Phenylketonuria. Last evaluated: 2024-02-29. Review status: criteria provided, single submitter. Criteria: ACMG Guidelines, 2015. Collection method: clinical testing. Allele origin: unknown. Not counted in ClinVar's aggregate classification.

NM_000277.3(PAH):c.442-1G>C

Gene: PAH (phenylalanine hydroxylase; minus strand). Cytogenetic location: 12q23.2.
Variant type: single nucleotide variant.
Coding change: c.442-1G>C on transcript NM_000277.3 (MANE Select); the canonical splice acceptor site of the intron before coding-DNA position 442, G replaced by C.
Molecular consequence: splice acceptor variant.
Genome position (GRCh38, 1-based): chr12:102,866,664, C>G on the plus strand (G>C on the coding strand, the complement: PAH is on the minus strand). VCF-style: chr12-102866664-C-G. GRCh37 (hg19) VCF-style: chr12-103260442-C-G.
Other names: c.442-1G>C (NM_001354304.2).
Identifiers: ClinVar variation 1065375 (VCV001065375.2), dbSNP rs62514907, ClinGen allele CA386299729.